The following is an entry in ClinVar:

ClinVar aggregate classification (germline): Uncertain significance (1 of 4 stars; one submission).

Conditions:
Leukocyte adhesion deficiency 3. Also called: INTEGRIN ACTIVATION DEFICIENCY DISEASE; LEUKOCYTE ADHESION DEFICIENCY 1 VARIANT; Leukocyte adhesion deficiency, type III. Identifiers: Orphanet 2968, Orphanet 99844, MedGen C2748536, MONDO:0013016, OMIM 612840.

Submission:

Center for Genomics, Ann and Robert H. Lurie Children's Hospital of Chicago
Classification: Uncertain significance for Leukocyte adhesion deficiency 3. Last evaluated: 2021-03-30. Review status: criteria provided, single submitter. Criteria: ACMG Guidelines, 2015. Collection method: clinical testing. Allele origin: germline.
Comment: FERMT3 NM_031471.5 exon 4 c.514+4A>G: This variant has not been reported in the literature and is not present in large control databases. Evolutionary conservation and computational predictive tools for this variant are limited or unavailable. This variant is an intronic variant; splice prediction tools suggest that this variant may not affect splicing. However, further studies are needed to understand its impact. In summary, data on this variant is insufficient for disease classification. Therefore, the clinical significance of this variant is uncertain.

NM_031471.6(FERMT3):c.514+4A>G

Gene: FERMT3 (FERM domain containing kindlin 3; plus strand). Cytogenetic location: 11q13.1.
Variant type: single nucleotide variant.
Coding change: c.514+4A>G on transcript NM_031471.6 (MANE Select); 4 bases into the intron after coding-DNA position 514, A replaced by G.
Molecular consequence: intron variant.
Genome position (GRCh38, 1-based): chr11:64,211,175, A>G. VCF-style: chr11-64211175-A-G. GRCh37 (hg19) VCF-style: chr11-63978647-A-G.
Other names: c.514+4A>G (NM_001382448.1, NM_178443.3, NM_001382362.1 and 1 more transcripts); c.-27+4A>G (NM_001382364.1, NM_001382363.1).
Identifiers: ClinVar variation 828003 (VCV000828003.3), dbSNP rs1591027554, ClinGen allele CA915948527.
Genomic context (GRCh38, chr11:64,211,175, plus strand): 5'-AAGAGAAGGAGCCAGAGGAAGAGCTCTATGACTTGAGCAAGGTTGTCTTGGCTGGGGGTG[A>G]GTGCAAGTGGGGGTGGGCCTGGGGGGTTGGGGGCAGGGGCCGGCCCGTGAGTCCCAGCCC-3'